The following is an entry in ClinVar:

NM_030962.4(SBF2):c.2323G>A (p.Gly775Ser)

Genes: SBF2 (SET binding factor 2; minus strand), LOC101928008 (uncharacterized LOC101928008; plus strand). Cytogenetic location: 11p15.4.
Variant type: single nucleotide variant.
Coding change: c.2323G>A on transcript NM_030962.4 (MANE Select); coding-DNA position 2323, G replaced by A.
Protein change: p.Gly775Ser; replaces glycine 775 with serine.
Molecular consequence: missense variant.
Genome position (GRCh38, 1-based): chr11:9,856,498, C>T on the plus strand (G>A on the coding strand, the complement: SBF2 is on the minus strand). VCF-style: chr11-9856498-C-T. GRCh37 (hg19) VCF-style: chr11-9878045-C-T.
Other names: p.Gly775Ser; c.2323G>A, p.Gly775Ser (NM_001386339.1); c.2194G>A, p.Gly732Ser (NM_001386342.1); short protein forms G775S, G732S.
Identifiers: ClinVar variation 194989 (VCV000194989.84), dbSNP rs141330687, ClinGen allele CA201480.
Genomic context (GRCh38, chr11:9,856,498, plus strand): 5'-GTGTGTTCACATTTTGGTACCTGTTTGTGACAATGCTGTTGCTTCCGCTCTCCCAGTCAC[C>T]TGGCGCTGATGTTCTTAGGAGCTTGTTTTTACTTGTGTCGAGTGGAACTAGCAGGTTCAC-3'
Protein context (NP_112224.1, residues 765-785): KNKLLRTSAP[Gly775Ser]DWESGSNSIV

ClinVar aggregate classification (germline): Conflicting classifications of pathogenicity. Review status: criteria provided, conflicting classifications (1 of 4 stars). 18 submissions from 18 submitters: Likely pathogenic (1); Benign (4); Likely benign (10). 3 of the submissions do not count toward it. Last evaluated 2026-10-01.

Conditions:
SBF2-related disorder. Also called: SBF2-related condition.
Charcot-Marie-Tooth disease. Also called: Charcot-Marie-Tooth Hereditary Neuropathy; Charcot-Marie-Tooth Neuropathy. Identifiers: Orphanet 166, MedGen C0007959, MONDO:0015626.
Inborn genetic diseases. Identifiers: MedGen C0950123, MeSH D030342.
Charcot-Marie-Tooth disease type 4. Also called: Charcot-Marie-Tooth disease, type IV; Charcot-Marie-Tooth, Type 4. Identifiers: Orphanet 64749, MedGen C4082197, MONDO:0018995.
Charcot-Marie-Tooth disease type 4B2. Also called: CHARCOT-MARIE-TOOTH DISEASE, DEMYELINATING, TYPE 4B2; Charcot-Marie-Tooth Neuropathy Type 4B2; CHARCOT-MARIE-TOOTH DISEASE, WITH FOCALLY FOLDED MYELIN SHEATHS, AUTOSOMAL RECESSIVE, TYPE 4B2; CMT 4B2. Identifiers: Orphanet 99956, MedGen C1858278, MONDO:0011475, OMIM 604563.
Tip-toe gait. Also called: Toe walking. Identifiers: MedGen C0427144, HP:0030051.

Allele frequency attached by ClinVar (database versions not stated): 1000 Genomes Project 0.00120; 1000 Genomes Project 30x 0.00141; TOPMed 0.00258; gnomAD 0.00267 and 0.00276; ESP Exome Variant Server 0.00316; gnomAD exomes 0.00320 and 0.00380; ExAC 0.00322.
gnomAD v4.1: 5,907 of 1,614,170 alleles (0.37%); highest among the groups gnomAD compares: Middle Eastern, 0.59%; 18 homozygotes.

Submissions (18):

CeGaT Center for Human Genetics Tuebingen
Classification: Likely benign. Last evaluated: 2026-10-01. Review status: criteria provided, single submitter. Criteria: CeGaT Center For Human Genetics Tuebingen Variant Classification Criteria Version 2. Collection method: clinical testing. Allele origin: germline. Affected: yes. Observed: 22 variant alleles.
Comment: SBF2: BS2

Labcorp Genetics (formerly Invitae), Labcorp
Classification: Benign for Charcot-Marie-Tooth disease type 4. Last evaluated: 2026-02-01. Review status: criteria provided, single submitter. Criteria: Invitae Variant Classification Sherloc (09022015). Collection method: clinical testing. Allele origin: germline.

ARUP Laboratories, Molecular Genetics and Genomics, ARUP Laboratories
Classification: Likely benign for Charcot-Marie-Tooth disease type 4B2. Last evaluated: 2025-02-11. Review status: criteria provided, single submitter. Criteria: ARUP Molecular Germline Variant Investigation Process 2024. Collection method: clinical testing. Allele origin: germline.

Women's Health and Genetics/Laboratory Corporation of America, LabCorp
Classification: Likely benign. Last evaluated: 2024-12-10. Review status: criteria provided, single submitter. Criteria: LabCorp Variant Classification Summary - May 2015. Collection method: clinical testing. Allele origin: germline.
Comment: Variant summary: SBF2 c.2323G>A (p.Gly775Ser) results in a non-conservative amino acid change in the encoded protein sequence. Three of five in-silico tools predict a benign effect of the variant on protein function. The variant allele was found at a frequency of 0.0032 in 251432 control chromosomes in the gnomAD database, including 6 homozygotes. The observed variant frequency exceeds the estimated maximal expected allele frequency for a pathogenic variant in SBF2 causing Charcot-Marie-Tooth disease type 4B2 phenotype. To our knowledge, no occurrence of c.2323G>A in individuals affected with Charcot-Marie-Tooth disease type 4B2 and no experimental evidence demonstrating its impact on protein function have been reported. ClinVar contains an entry for this variant (Variation ID: 194989). Based on the evidence outlined above, the variant was classified as likely benign.

Mayo Clinic Laboratories, Mayo Clinic
Classification: Benign. Last evaluated: 2023-05-03. Review status: criteria provided, single submitter. Criteria: ACMG Guidelines, 2015. Collection method: clinical testing. Allele origin: germline. Observed: 18 variant alleles.
Comment: BS1, BS2

Mendelics
Classification: Likely benign. Last evaluated: 2022-05-04. Review status: criteria provided, single submitter. Criteria: Mendelics Assertion Criteria 2019. Collection method: clinical testing. Allele origin: germline.

GeneDx
Classification: Likely benign. Last evaluated: 2020-12-04. Review status: criteria provided, single submitter. Criteria: GeneDx Variant Classification Process June 2021. Collection method: clinical testing. Allele origin: germline. Affected: yes.

Ambry Genetics
Classification: Likely benign for Inborn genetic diseases. Last evaluated: 2019-08-27. Review status: criteria provided, single submitter. Criteria: Ambry Variant Classification Scheme 2023. Collection method: clinical testing. Allele origin: germline.

Athena Diagnostics
Classification: Benign. Last evaluated: 2019-08-12. Review status: criteria provided, single submitter. Criteria: Athena Diagnostics Criteria. Collection method: clinical testing. Allele origin: germline.

Genetic Services Laboratory, University of Chicago
Classification: Likely benign. Last evaluated: 2019-07-08. Review status: criteria provided, single submitter. Criteria: ACMG Guidelines, 2015. Collection method: clinical testing. Allele origin: germline. Affected: no.

Practice for Gait Abnormalities, David Pomarino, Competency Network Toe Walking C/o Practice Pomarino
Classification: Likely pathogenic for Tip-toe gait. Last evaluated: 2019-05-20. Review status: criteria provided, single submitter. Criteria: ACMG Guidelines, 2015. Collection method: clinical testing. Allele origin: unknown. Affected: yes. Observed: 5 variant alleles. Clinical features observed: Pes cavus (HP:0001761), Delayed speech and language development (HP:0000750), Clinodactyly (HP:0030084), Hyperlordosis (HP:0003307), Autism (HP:0000717), Attention deficit hyperactivity disorder (HP:0007018), Limited range of motion of the upper ankle.
Comment: We conducted a clinical examination of patients about toe walking. The SBF2:c.2323G>A was detected in 5 patients. We also examined a control group of children without toe walking (100 children). In this group this variant could not be identified. Hereditary motor sensory neuropathy (HMSN), also known as Charcot-Marie-Tooth Disease (CMT), is the most commonly inherited peripheral polyneuropathy. It constitutes a group of inherited, progressive, motor and sensory peripheral nerve disorders with properties of demyelination, axonal degeneration, or both. It is classified by clinical characteristics, modes of inheritance, electrophysiologic features, metabolic defects, and specific gene markers. Our patients all walk on tiptoe, so they show similar symptoms. When we genetically test them with our toe walking panel, we find that around 90 per cent of them have a genetic variant that explains their toe walking. These can be assigned, for example, to the area of myopathies (such as variants of the COL6A3 gene), the area of hereditary neuropathies (such as variants of the KMT2C gene) or the area of metabolic diseases (such as variants of the PYGM gene). In a smaller group of patients with almost identical symptoms, no abnormality is found in the genes of our panel, but spastic paraplegia can be detected. In another small group of our toe walkers, no abnormalities can be detected in the genes analysed in our toe walking panel, nor do they suffer from spastic paraplegia, as is also the case with healthy children. In contrast to these, however, they show a tiptoe gait. These patients suffer from infantile cerebral palsy, in which toe walking can also be observed.

Illumina Laboratory Services, Illumina
Classification: Likely benign for Charcot-Marie-Tooth disease type 4B2. Last evaluated: 2017-06-30. Review status: criteria provided, single submitter. Criteria: ICSL Variant Classification Criteria 13 December 2019. Collection method: clinical testing. Allele origin: germline.
Comment: This variant was observed as part of a predisposition screen in an ostensibly healthy population. A literature search was performed for the gene, cDNA change, and amino acid change (where applicable). No publications were found based on this search. Allele frequency data from public databases allowed determination this variant is unlikely to cause disease. Therefore, this variant is classified as likely benign.

Center for Pediatric Genomic Medicine, Children's Mercy Hospital and Clinics
Classification: Likely benign. Last evaluated: 2016-10-10. Review status: criteria provided, single submitter. Criteria: ACMG Guidelines, 2015. Collection method: clinical testing. Allele origin: germline.
ClinVar note: Converted during submission from Likely Benign to Likely benign.

Eurofins Ntd Llc (ga)
Classification: Benign. Last evaluated: 2014-11-09. Review status: criteria provided, single submitter. Criteria: EGL Classification Definitions 2015. Collection method: clinical testing. Allele origin: germline. Observed: 2 variant alleles, 2 heterozygotes.

Molecular Genetics Laboratory, London Health Sciences Centre
Classification: Likely benign for Charcot-Marie-Tooth disease. Review status: criteria provided, single submitter. Criteria: ACMG Guidelines, 2015. Collection method: clinical testing. Allele origin: germline. Affected: yes.

PreventionGenetics, part of Exact Sciences
Classification: Likely benign for SBF2-related condition. Last evaluated: 2019-03-26. Review status: no assertion criteria provided. Collection method: clinical testing. Allele origin: germline. Not counted in ClinVar's aggregate classification.
Comment: This variant is classified as likely benign based on ACMG/AMP sequence variant interpretation guidelines (Richards et al. 2015 PMID: 25741868, with internal and published modifications).

Clinical Genetics DNA and cytogenetics Diagnostics Lab, Erasmus MC, Erasmus Medical Center
Classification: Likely benign. Review status: no assertion criteria provided. Collection method: clinical testing. Allele origin: germline. Affected: yes. Study: VKGL Data-share Consensus. Not counted in ClinVar's aggregate classification.

Clinical Genetics, Academic Medical Center
Classification: Likely benign. Review status: no assertion criteria provided. Collection method: clinical testing. Allele origin: germline. Affected: yes. Study: VKGL Data-share Consensus. Not counted in ClinVar's aggregate classification.

Literature cited by the submitters: PubMed 37091313 (cited by Practice for Gait Abnormalities, David Pomarino, Competency Network Toe Walking C/o Practice Pomarino).